The following is an entry in ClinVar:

ClinVar aggregate classification (germline): Uncertain significance (1 of 4 stars; one submission).

Conditions:
PLXNA4-related disorder. Also called: PLXNA4-related condition.

gnomAD v4.1: 20 of 1,614,134 alleles (0.0012%); highest among the groups gnomAD compares: East Asian, 0.0022%; no homozygotes.

Submission:

PreventionGenetics, part of Exact Sciences
Classification: Uncertain significance for PLXNA4-related condition. Last evaluated: 2025-10-08. Review status: criteria provided, single submitter. Criteria: ACMG Guidelines, 2015. Collection method: clinical testing. Allele origin: germline.
Comment: The PLXNA4 c.296G>A variant is predicted to result in the amino acid substitution p.Arg99His. To our knowledge, this variant has not been reported in the literature. This variant is reported in 0.0054% of alleles in individuals of East Asian descent in gnomAD. At this time, the clinical significance of this variant is uncertain due to the absence of conclusive functional and genetic evidence.

NM_020911.2(PLXNA4):c.296G>A (p.Arg99His)

Gene: PLXNA4 (plexin A4; minus strand). Cytogenetic location: 7q32.3.
Variant type: single nucleotide variant.
Coding change: c.296G>A on transcript NM_020911.2 (MANE Select); coding-DNA position 296, G replaced by A.
Protein change: p.Arg99His; replaces arginine 99 with histidine.
Molecular consequence: missense variant.
Genome position (GRCh38, 1-based): chr7:132,508,398, C>T on the plus strand (G>A on the coding strand, the complement: PLXNA4 is on the minus strand). VCF-style: chr7-132508398-C-T. GRCh37 (hg19) VCF-style: chr7-132193157-C-T.
Other names: c.296G>A, p.Arg99His (NM_001105543.2, NM_001393897.1, NM_181775.4); short protein forms R99H.
Identifiers: ClinVar variation 4982005 (VCV004982005.1).